The following is an entry in ClinVar:

NM_004655.4(AXIN2):c.605G>C (p.Ser202Thr)

Gene: AXIN2 (axin 2; minus strand). Cytogenetic location: 17q24.1.
Variant type: single nucleotide variant.
Coding change: c.605G>C on transcript NM_004655.4 (MANE Select); coding-DNA position 605, G replaced by C.
Protein change: p.Ser202Thr; replaces serine 202 with threonine.
Molecular consequence: missense variant.
Genome position (GRCh38, 1-based): chr17:65,558,016, C>G on the plus strand (G>C on the coding strand, the complement: AXIN2 is on the minus strand). VCF-style: chr17-65558016-C-G. GRCh37 (hg19) VCF-style: chr17-63554134-C-G.
Other names: c.605G>C, p.Ser202Thr (NM_001363813.1); short protein forms S202T.
Identifiers: ClinVar variation 3470976 (VCV003470976.1).

ClinVar aggregate classification (germline): Uncertain significance (1 of 4 stars; one submission).

Conditions:
Hereditary cancer-predisposing syndrome. Also called: Tumor predisposition; Neoplastic Syndromes, Hereditary; Hereditary neoplastic syndrome; Hereditary Cancer Syndrome. Identifiers: Orphanet 140162, MedGen C0027672, MeSH D009386, MONDO:0015356.

Submission:

Ambry Genetics
Classification: Uncertain significance for Hereditary cancer-predisposing syndrome. Last evaluated: 2024-11-30. Review status: criteria provided, single submitter. Criteria: Ambry Variant Classification Scheme 2023. Collection method: clinical testing. Allele origin: germline.
Comment: The p.S202T variant (also known as c.605G>C), located in coding exon 1 of the AXIN2 gene, results from a G to C substitution at nucleotide position 605. The serine at codon 202 is replaced by threonine, an amino acid with similar properties. This amino acid position is conserved. In addition, this alteration is predicted to be tolerated by in silico analysis. Based on the available evidence, the clinical significance of this variant remains unclear.